The following is an entry in ClinVar:

ClinVar aggregate classification (germline): Pathogenic (1 of 4 stars; one submission).

Conditions:
Primary ciliary dyskinesia. Also called: Ciliary dyskinesia. Identifiers: Orphanet 244, MedGen C0008780, MONDO:0016575, HP:0012265.

Submission:

Labcorp Genetics (formerly Invitae), Labcorp
Classification: Pathogenic for Primary ciliary dyskinesia. Last evaluated: 2024-02-05. Review status: criteria provided, single submitter. Criteria: Invitae Variant Classification Sherloc (09022015). Collection method: clinical testing. Allele origin: germline.
Comment: This sequence change creates a premature translational stop signal (p.Glu223Glyfs*37) in the DNAI2 gene. It is expected to result in an absent or disrupted protein product. Loss-of-function variants in DNAI2 are known to be pathogenic (PMID: 18950741, 23891469). This variant is not present in population databases (gnomAD no frequency). This variant has not been reported in the literature in individuals affected with DNAI2-related conditions. For these reasons, this variant has been classified as Pathogenic.

Literature cited by the submitters: PubMed 18950741; PubMed 23891469.

NM_023036.6(DNAI2):c.667dup (p.Glu223fs)

Gene: DNAI2 (dynein axonemal intermediate chain 2; plus strand). Cytogenetic location: 17q25.1.
Variant type: Duplication.
Coding change: c.667dup on transcript NM_023036.6 (MANE Select); coding-DNA position 667, one base duplicated (G; older notation c.667dupG).
Protein change: p.Glu223fs; shifts the reading frame from glutamic acid 223.
Molecular consequence: frameshift variant. On other transcripts: non-coding transcript variant (1).
Genome position (GRCh38, 1-based): chr17:74,291,076, G duplicated; the last of 2 consecutive G bases (chr17:74,291,075-74,291,076); duplicating either gives the same sequence. VCF-style (leftmost placement, unchanged base first): chr17-74291074-T-TG. GRCh37 (hg19) VCF-style: chr17-72287213-T-TG.
Other names: c.667dup, p.Glu223fs (NM_001172810.3, NM_001353167.2); short protein forms E223fs.
Identifiers: ClinVar variation 3638882 (VCV003638882.2).